The following is an entry in ClinVar:

NM_206933.4(USH2A):c.8603A>G (p.Asn2868Ser)

Gene: USH2A (usherin; minus strand). Cytogenetic location: 1q41.
Variant type: single nucleotide variant.
Coding change: c.8603A>G on transcript NM_206933.4 (MANE Select); coding-DNA position 8603, A replaced by G.
Protein change: p.Asn2868Ser; replaces asparagine 2868 with serine.
Molecular consequence: missense variant.
Genome position (GRCh38, 1-based): chr1:215,877,836, T>C on the plus strand (A>G on the coding strand, the complement: USH2A is on the minus strand). VCF-style: chr1-215877836-T-C. GRCh37 (hg19) VCF-style: chr1-216051178-T-C.
Other names: short protein forms N2868S.
Identifiers: ClinVar variation 2151683 (VCV002151683.1), dbSNP rs564276631, ClinGen allele CA1394561.

ClinVar aggregate classification (germline): Uncertain significance (1 of 4 stars; one submission).

Allele frequency attached by ClinVar (database versions not stated): gnomAD exomes below 0.00001; gnomAD 0.00001; ExAC 0.00002; 1000 Genomes Project 30x 0.00016; 1000 Genomes Project 0.00020.
gnomAD v4.1: 4 of 1,613,810 alleles (0.00025%); highest among the groups gnomAD compares: East Asian, 0.0067%; no homozygotes.

Submission:

Labcorp Genetics (formerly Invitae), Labcorp
Classification: Uncertain significance. Last evaluated: 2022-08-16. Review status: criteria provided, single submitter. Criteria: Invitae Variant Classification Sherloc (09022015). Collection method: clinical testing. Allele origin: germline.
Comment: This sequence change replaces asparagine, which is neutral and polar, with serine, which is neutral and polar, at codon 2868 of the USH2A protein (p.Asn2868Ser). This variant is present in population databases (rs564276631, gnomAD 0.02%). This variant has not been reported in the literature in individuals affected with USH2A-related conditions. Algorithms developed to predict the effect of missense changes on protein structure and function (SIFT, PolyPhen-2, Align-GVGD) all suggest that this variant is likely to be disruptive. In summary, the available evidence is currently insufficient to determine the role of this variant in disease. Therefore, it has been classified as a Variant of Uncertain Significance.